The following is an entry in ClinVar:

NM_000391.4(TPP1):c.1558C>A (p.Arg520Ser)

Gene: TPP1 (tripeptidyl peptidase 1; minus strand). Cytogenetic location: 11p15.4.
Variant type: single nucleotide variant.
Coding change: c.1558C>A on transcript NM_000391.4 (MANE Select); coding-DNA position 1558, C replaced by A.
Protein change: p.Arg520Ser; replaces arginine 520 with serine.
Molecular consequence: missense variant.
Genome position (GRCh38, 1-based): chr11:6,614,680, G>T on the plus strand (C>A on the coding strand, the complement: TPP1 is on the minus strand). VCF-style: chr11-6614680-G-T. GRCh37 (hg19) VCF-style: chr11-6635911-G-T.
Other names: short protein forms R520S.
Identifiers: ClinVar variation 284359 (VCV000284359.8), dbSNP rs371204585, ClinGen allele CA5858604.

ClinVar aggregate classification (germline): Uncertain significance. Review status: criteria provided, multiple submitters, no conflicts (2 of 4 stars). 3 submissions from 3 submitters: Uncertain significance (3). Last evaluated 2022-10-04.

Allele frequency attached by ClinVar (database versions not stated): ExAC 0.00001; gnomAD exomes 0.00001; gnomAD 0.00003; TOPMed 0.00004; ESP Exome Variant Server 0.00008.
gnomAD v4.1: 6 of 1,613,968 alleles (0.00037%); highest among the groups gnomAD compares: African/African-American, 0.008%; no homozygotes.

Submissions (3):

Labcorp Genetics (formerly Invitae), Labcorp
Classification: Uncertain significance. Last evaluated: 2022-10-04. Review status: criteria provided, single submitter. Criteria: Invitae Variant Classification Sherloc (09022015). Collection method: clinical testing. Allele origin: germline.
Comment: This sequence change replaces arginine, which is basic and polar, with serine, which is neutral and polar, at codon 520 of the TPP1 protein (p.Arg520Ser). This variant is present in population databases (rs371204585, gnomAD 0.01%). This variant has not been reported in the literature in individuals affected with TPP1-related conditions. ClinVar contains an entry for this variant (Variation ID: 284359). Advanced modeling of protein sequence and biophysical properties (such as structural, functional, and spatial information, amino acid conservation, physicochemical variation, residue mobility, and thermodynamic stability) performed at Invitae indicates that this missense variant is not expected to disrupt TPP1 protein function. In summary, the available evidence is currently insufficient to determine the role of this variant in disease. Therefore, it has been classified as a Variant of Uncertain Significance.

Blueprint Genetics
Classification: Uncertain significance. Last evaluated: 2022-03-11. Review status: criteria provided, single submitter. Criteria: ACMG Guidelines, 2015. Collection method: clinical testing. Allele origin: germline.

Eurofins Ntd Llc (ga)
Classification: Uncertain significance. Last evaluated: 2015-11-07. Review status: criteria provided, single submitter. Criteria: EGL Classification Definitions 2015. Collection method: clinical testing. Allele origin: germline. Observed: 1 variant allele, 1 heterozygote.